The following is an entry in ClinVar:

ClinVar aggregate classification (germline): Uncertain significance. Review status: criteria provided, multiple submitters, no conflicts (2 of 4 stars). 2 submissions from 2 submitters: Uncertain significance (2). Last evaluated 2024-08-14.

Conditions:
Inborn genetic diseases. Identifiers: MedGen C0950123, MeSH D030342.

Allele frequency attached by ClinVar (database versions not stated): ExAC 0.00003; TOPMed 0.00004; gnomAD 0.00005; gnomAD exomes 0.00007; ESP Exome Variant Server 0.00008; 1000 Genomes Project 30x 0.00016; 1000 Genomes Project 0.00020.
gnomAD v4.1: 100 of 1,601,468 alleles (0.0062%); highest among the groups gnomAD compares: East Asian, 0.025%; no homozygotes.

Submissions (2):

Ambry Genetics
Classification: Uncertain significance for Inborn genetic diseases. Last evaluated: 2024-08-14. Review status: criteria provided, single submitter. Criteria: Ambry Variant Classification Scheme 2023. Collection method: clinical testing. Allele origin: germline.

GeneDx
Classification: Uncertain significance. Last evaluated: 2024-08-01. Review status: criteria provided, single submitter. Criteria: GeneDx Variant Classification Process June 2021. Collection method: clinical testing. Allele origin: germline. Affected: yes.
Comment: Not observed at significant frequency in large population cohorts (gnomAD); In silico analysis supports that this missense variant has a deleterious effect on protein structure/function; Has not been previously published as pathogenic or benign to our knowledge

NM_001163809.2(WDR81):c.5446C>T (p.Arg1816Cys)

Gene: WDR81 (WD repeat domain 81; plus strand). Cytogenetic location: 17p13.3.
Variant type: single nucleotide variant.
Coding change: c.5446C>T on transcript NM_001163809.2 (MANE Select); coding-DNA position 5446, C replaced by T.
Protein change: p.Arg1816Cys; replaces arginine 1816 with cysteine.
Molecular consequence: missense variant.
Genome position (GRCh38, 1-based): chr17:1,736,159, C>T. VCF-style: chr17-1736159-C-T. GRCh37 (hg19) VCF-style: chr17-1639453-C-T.
Other names: c.1837C>T, p.Arg613Cys (NM_001163673.2); c.1765C>T, p.Arg589Cys (NM_001163811.2); c.2293C>T, p.Arg765Cys (NM_152348.4); short protein forms R613C, R765C, R1816C, R589C.
Identifiers: ClinVar variation 2230599 (VCV002230599.4), dbSNP rs369592315, ClinGen allele CA8273870.